The following is an entry in ClinVar:

ClinVar aggregate classification (germline): Likely pathogenic (1 of 4 stars; one submission).

Conditions:
Metaphyseal chondrodysplasia, McKusick type (CHH). Also called: Cartilage-hair hypoplasia; Cartilage-Hair Hypoplasia (CHH). Identifiers: Orphanet 175, MedGen C0220748, MONDO:0009595, OMIM 250250.

Submission:

Natera, Inc.
Classification: Likely pathogenic for Cartilage-hair hypoplasia. Last evaluated: 2025-01-25. Review status: criteria provided, single submitter. Criteria: Natera Variant Classification Schema (03/2026). Collection method: clinical testing. Allele origin: germline.
Comment: The n.-5delGinsTACTACTCTGTGAAGCTGAGA variant in RMRP is an insertion affecting the RMRP promoter region between the TATA box and the transcription initiation site. Other duplications and insertions just upstream of the transcription initiation site have been reported in individuals affected with cartilage-hair hypoplasia (PMID: 11207361, 17937437). This variant is rare in the general population with a frequency below the threshold expected for the associated phenotype(s). Given the available evidence, this variant is classified as Likely pathogenic.

Literature cited by the submitters: PubMed 11207361; PubMed 17937437.

NR_003051.3(RMRP):n.-5delGinsTACTACTCTGTGAAGCTGAGA

Gene: RMRP (RNA component of mitochondrial RNA processing endoribonuclease; minus strand). Cytogenetic location: 9p13.3.
Variant type: Indel.
Genome position: GRCh38 VCF-style: chr9-35658023-C-TCTCAGCTTCACAGAGTAGTA. GRCh37 (hg19) VCF-style: chr9-35658020-C-TCTCAGCTTCACAGAGTAGTA.
Identifiers: ClinVar variation 4817194 (VCV004817194.1).